The following is an entry in ClinVar:

NM_020843.4(SCAPER):c.3178G>A (p.Val1060Ile)

Genes: SCAPER (S-phase cyclin A associated protein in the ER; minus strand), LOC126862183 (BRD4-independent group 4 enhancer GRCh37_chr15:76726060-76727259; plus strand). Cytogenetic location: 15q24.3.
Variant type: single nucleotide variant.
Coding change: c.3178G>A on transcript NM_020843.4 (MANE Select); coding-DNA position 3178, G replaced by A.
Protein change: p.Val1060Ile; replaces valine 1060 with isoleucine.
Molecular consequence: missense variant. On other transcripts: non-coding transcript variant (1).
Genome position (GRCh38, 1-based): chr15:76,434,211, C>T on the plus strand (G>A on the coding strand, the complement: SCAPER is on the minus strand). VCF-style: chr15-76434211-C-T. GRCh37 (hg19) VCF-style: chr15-76726552-C-T.
Other names: c.2440G>A, p.Val814Ile (NM_001145923.2); c.3196G>A, p.Val1066Ile (NM_001353009.2); c.2776G>A, p.Val926Ile (NM_001353010.2, NM_001353012.2); c.2794G>A, p.Val932Ile (NM_001353011.2); c.3178G>A (NM_020843.2); short protein forms V1060I, V1066I, V814I, V926I, V932I.
Identifiers: ClinVar variation 3354088 (VCV003354088.3).

ClinVar aggregate classification (germline): Uncertain significance. Review status: criteria provided, multiple submitters, no conflicts (2 of 4 stars). 2 submissions from 2 submitters: Uncertain significance (2). Last evaluated 2026-03-30.

Conditions:
SCAPER-related disorder. Also called: SCAPER-related condition.
Inborn genetic diseases. Identifiers: MedGen C0950123, MeSH D030342.

gnomAD v4.1: 323 of 1,613,808 alleles (0.02%); highest among the groups gnomAD compares: Non-Finnish European, 0.026%; no homozygotes.

Submissions (2):

PreventionGenetics, part of Exact Sciences
Classification: Uncertain significance for SCAPER-related condition. Last evaluated: 2026-03-30. Review status: criteria provided, single submitter. Criteria: ACMG Guidelines, 2015. Collection method: clinical testing. Allele origin: germline.
Comment: The SCAPER c.3196G>A variant is predicted to result in the amino acid substitution p.Val1066Ile. To our knowledge, this variant has not been reported in the literature. This variant is reported in 0.017% of alleles in individuals of European (Non-Finnish) descent in gnomAD, which is more common than expected for an undocumented cause of disease. Although we suspect that this variant may be benign, at this time, the clinical significance of this variant is uncertain due to the absence of conclusive functional and genetic evidence.

Ambry Genetics
Classification: Uncertain significance for Inborn genetic diseases. Last evaluated: 2025-04-12. Review status: criteria provided, single submitter. Criteria: Ambry Variant Classification Scheme 2023. Collection method: clinical testing. Allele origin: germline.